The following is an entry in ClinVar:

NM_000059.4(BRCA2):c.4026del (p.Ser1342fs)

Gene: BRCA2 (BRCA2 DNA repair associated; plus strand). Cytogenetic location: 13q13.1.
Variant type: Deletion.
Coding change: c.4026del on transcript NM_000059.4 (MANE Select); coding-DNA position 4026, one base deleted (T; older notation c.4026delT).
Protein change: p.Ser1342fs; shifts the reading frame from serine 1342.
Molecular consequence: frameshift variant.
Genome position (GRCh38, 1-based): chr13:32,338,381, T deleted. VCF-style (leftmost placement, unchanged base first): chr13-32338380-GT-G. GRCh37 (hg19) VCF-style: chr13-32912517-GT-G.
Other names: short protein forms S1342fs.
Identifiers: ClinVar variation 1068981 (VCV001068981.7), dbSNP rs2137502198, ClinGen allele CA2499222151.
Genomic context (GRCh38, chr13:32,338,380, plus strand): 5'-ACAAATATACTGCTGCCAGTAGAAATTCTCATAACTTAGAATTTGATGGCAGTGATTCAA[GT>G]AAAAATGATACTGTTTGTATTCATAAAGATGAAACGGACTTGCTATTTACTGATCAGCAC-3'

ClinVar aggregate classification (germline): Pathogenic (1 of 4 stars; one submission).

Conditions:
Hereditary breast ovarian cancer syndrome. Also called: Breast and ovarian cancer; BRCA1- and BRCA2-Associated Hereditary Breast and Ovarian Cancer; Hereditary breast and ovarian cancer syndrome; Hereditary breast and/or ovarian cancer syndrome; Hereditary breast and ovarian cancer; Hereditary breast and ovarian cancer syndrome (HBOC). Identifiers: Orphanet 145, MedGen C0677776, MeSH D061325, MONDO:0003582. Disease mechanism: loss of function.

Submission:

Labcorp Genetics (formerly Invitae), Labcorp
Classification: Pathogenic for Hereditary breast ovarian cancer syndrome. Last evaluated: 2025-01-05. Review status: criteria provided, single submitter. Criteria: Invitae Variant Classification Sherloc (09022015). Collection method: clinical testing. Allele origin: germline.
Comment: This sequence change creates a premature translational stop signal (p.Ser1342Argfs*32) in the BRCA2 gene. It is expected to result in an absent or disrupted protein product. Loss-of-function variants in BRCA2 are known to be pathogenic (PMID: 20104584). This variant is not present in population databases (gnomAD no frequency). This variant has not been reported in the literature in individuals affected with BRCA2-related conditions. ClinVar contains an entry for this variant (Variation ID: 1068981). For these reasons, this variant has been classified as Pathogenic.

Literature cited by the submitters: PubMed 20104584.